The following is an entry in ClinVar:

NM_001458.5(FLNC):c.2068T>C (p.Phe690Leu)

Gene: FLNC (filamin C; plus strand). Cytogenetic location: 7q32.1.
Variant type: single nucleotide variant.
Coding change: c.2068T>C on transcript NM_001458.5 (MANE Select); coding-DNA position 2068, T replaced by C.
Protein change: p.Phe690Leu; replaces phenylalanine 690 with leucine.
Molecular consequence: missense variant.
Genome position (GRCh38, 1-based): chr7:128,841,514, T>C. VCF-style: chr7-128841514-T-C. GRCh37 (hg19) VCF-style: chr7-128481568-T-C.
Other names: c.2068T>C, p.Phe690Leu (NM_001127487.2); short protein forms F690L.
Identifiers: ClinVar variation 539419 (VCV000539419.38), dbSNP rs200943714, ClinGen allele CA4474582.

ClinVar aggregate classification (germline): Conflicting classifications of pathogenicity. Review status: criteria provided, conflicting classifications (1 of 4 stars). 11 submissions from 11 submitters: Uncertain significance (5); Likely benign (3). 3 of the submissions do not count toward it. Last evaluated 2026-02-03.

Conditions:
Myofibrillar myopathy 5. Also called: Filaminopathy (type); FILAMINOPATHY, AUTOSOMAL DOMINANT. Identifiers: Orphanet 171445, MedGen C1836050, MONDO:0012289, OMIM 609524.
Distal myopathy with posterior leg and anterior hand involvement. Also called: WILLIAMS DISTAL MYOPATHY. Identifiers: Orphanet 63273, MedGen C3279722, MONDO:0013550, OMIM 614065.
Hypertrophic cardiomyopathy 26. Also called: Cardiomyopathy, familial hypertrophic, 26. Identifiers: Orphanet 75249, MedGen C4310749, MONDO:0014883, OMIM 617047.
Cardiomyopathy (CMYO). Also called: Cardiomyopathies. Identifiers: Orphanet 167848, MedGen C0878544, MONDO:0004994, HP:0001638. Inheritance: Various modes of inheritance.
Cardiovascular phenotype. Identifiers: MedGen CN230736.

Allele frequency attached by ClinVar (database versions not stated): ExAC 0.00012; gnomAD exomes 0.00017 and 0.00028; TOPMed 0.00022; gnomAD 0.00023 and 0.00025; ESP Exome Variant Server 0.00048.
gnomAD v4.1: 439 of 1,614,032 alleles (0.027%); highest among the groups gnomAD compares: Non-Finnish European, 0.035%; no homozygotes.

Submissions (11):

Labcorp Genetics (formerly Invitae), Labcorp
Classification: Likely benign for Distal myopathy with posterior leg and anterior hand involvement; Myofibrillar myopathy 5; Hypertrophic cardiomyopathy 26. Last evaluated: 2026-02-03. Review status: criteria provided, single submitter. Criteria: Invitae Variant Classification Sherloc (09022015). Collection method: clinical testing. Allele origin: germline.

Mayo Clinic Laboratories, Mayo Clinic
Classification: Uncertain significance. Last evaluated: 2025-08-04. Review status: criteria provided, single submitter. Criteria: ACMG Guidelines, 2015. Collection method: clinical testing. Allele origin: germline. Observed: 4 variant alleles.
Comment: BS2, PP3_moderate

Revvity Omics, Revvity
Classification: Uncertain significance. Last evaluated: 2025-02-03. Review status: criteria provided, single submitter. Criteria: ACMG Guidelines, 2015. Collection method: clinical testing. Allele origin: germline.

Ambry Genetics
Classification: Uncertain significance for Cardiovascular phenotype. Last evaluated: 2024-10-11. Review status: criteria provided, single submitter. Criteria: Ambry Variant Classification Scheme 2023. Collection method: clinical testing. Allele origin: germline.
Comment: The p.F690L variant (also known as c.2068T>C), located in coding exon 13 of the FLNC gene, results from a T to C substitution at nucleotide position 2068. The phenylalanine at codon 690 is replaced by leucine, an amino acid with highly similar properties. This variant has been reported in a hypertrophic cardiomyopathy (HCM) cohort, but clinical details were limited (Bonaventura J et al. J Am Heart Assoc, 2024 May;13:e033565). This amino acid position is highly conserved in available vertebrate species. In addition, this alteration is predicted to be deleterious by in silico analysis. Based on the available evidence, the clinical significance of this variant remains unclear.

Blueprint Genetics
Classification: Likely benign. Last evaluated: 2024-09-14. Review status: criteria provided, single submitter. Criteria: ACMG Guidelines, 2015. Collection method: clinical testing. Allele origin: germline.

ARUP Laboratories, Molecular Genetics and Genomics, ARUP Laboratories
Classification: Uncertain significance. Last evaluated: 2024-06-04. Review status: criteria provided, single submitter. Criteria: ARUP Molecular Germline Variant Investigation Process 2024. Collection method: clinical testing. Allele origin: germline.
Comment: The FLNC c.2068T>C; p.Phe690Leu variant (rs200943714), to our knowledge, is not reported in the medical literature but is reported in ClinVar (Variation ID: 539419). This variant is found in the non-Finnish European population with an allele frequency of 0.03% (44/128,716 alleles) in the Genome Aggregation Database (v2.1.1). Computational analyses predict that this variant is deleterious (REVEL: 0.88). However, given the lack of clinical and functional data, the significance of this variant is uncertain at this time.

CHEO Genetics Diagnostic Laboratory, Children's Hospital of Eastern Ontario
Classification: Uncertain significance for Cardiomyopathy. Last evaluated: 2023-05-16. Review status: criteria provided, single submitter. Criteria: ACMG Guidelines, 2015. Collection method: clinical testing. Allele origin: germline.

GeneDx
Classification: Likely benign. Last evaluated: 2020-11-25. Review status: criteria provided, single submitter. Criteria: GeneDx Variant Classification Process June 2021. Collection method: clinical testing. Allele origin: germline. Affected: yes.
Comment: Has not been previously published as pathogenic or benign to our knowledge; In silico analysis, which includes protein predictors and evolutionary conservation, supports a deleterious effect; Reported in ClinVar as a variant of uncertain significance (ClinVar Variant ID# 539419; Landrum et al., 2016)

Clinical Genetics DNA and cytogenetics Diagnostics Lab, Erasmus MC, Erasmus Medical Center
Classification: Uncertain significance. Review status: no assertion criteria provided. Collection method: clinical testing. Allele origin: germline. Affected: yes. Study: VKGL Data-share Consensus. Not counted in ClinVar's aggregate classification.

Clinical Genetics, Academic Medical Center
Classification: Uncertain significance. Review status: no assertion criteria provided. Collection method: clinical testing. Allele origin: germline. Affected: yes. Study: VKGL Data-share Consensus. Not counted in ClinVar's aggregate classification.

Diagnostic Laboratory, Department of Genetics, University Medical Center Groningen
Classification: Uncertain significance. Review status: no assertion criteria provided. Collection method: clinical testing. Allele origin: germline. Affected: yes. Study: VKGL Data-share Consensus. Not counted in ClinVar's aggregate classification.

Literature cited by the submitters: PubMed 38757491 (cited by Mayo Clinic Laboratories, Mayo Clinic and Ambry Genetics).